The following is an entry in ClinVar:

NM_006904.7(PRKDC):c.4183C>G (p.Leu1395Val)

Gene: PRKDC (protein kinase, DNA-activated, catalytic subunit; minus strand). Cytogenetic location: 8q11.21.
Variant type: single nucleotide variant.
Coding change: c.4183C>G on transcript NM_006904.7 (MANE Select); coding-DNA position 4183, C replaced by G.
Protein change: p.Leu1395Val; replaces leucine 1395 with valine.
Molecular consequence: missense variant.
Genome position (GRCh38, 1-based): chr8:47,889,111, G>C on the plus strand (C>G on the coding strand, the complement: PRKDC is on the minus strand). VCF-style: chr8-47889111-G-C. GRCh37 (hg19) VCF-style: chr8-48801672-G-C.
Other names: c.4183C>G, p.Leu1395Val (NM_001081640.2); short protein forms L1395V.
Identifiers: ClinVar variation 2151568 (VCV002151568.1), dbSNP rs765504667, ClinGen allele CA4740982.

ClinVar aggregate classification (germline): Uncertain significance (1 of 4 stars; one submission).

Conditions:
Severe combined immunodeficiency due to DNA-PKcs deficiency. Also called: IMMUNODEFICIENCY 26 WITH NEUROLOGIC ABNORMALITIES; Immunodeficiency 26 with or without neurologic abnormalities. Identifiers: Orphanet 317425, MedGen C4014833, MONDO:0014423, OMIM 615966.

Allele frequency attached by ClinVar (database versions not stated): ExAC 0.00001; gnomAD 0.00001; gnomAD exomes 0.00001.
gnomAD v4.1: 9 of 1,613,890 alleles (0.00056%); highest among the groups gnomAD compares: Non-Finnish European, 0.00076%; no homozygotes.

Submission:

Labcorp Genetics (formerly Invitae), Labcorp
Classification: Uncertain significance for Severe combined immunodeficiency due to DNA-PKcs deficiency. Last evaluated: 2022-03-01. Review status: criteria provided, single submitter. Criteria: Invitae Variant Classification Sherloc (09022015). Collection method: clinical testing. Allele origin: germline.
Comment: This sequence change replaces leucine, which is neutral and non-polar, with valine, which is neutral and non-polar, at codon 1395 of the PRKDC protein (p.Leu1395Val). This variant is present in population databases (rs765504667, gnomAD 0.002%). This variant has not been reported in the literature in individuals affected with PRKDC-related conditions. Experimental studies and prediction algorithms are not available or were not evaluated, and the functional significance of this variant is currently unknown. In summary, the available evidence is currently insufficient to determine the role of this variant in disease. Therefore, it has been classified as a Variant of Uncertain Significance.